The following is an entry in ClinVar:

NM_004415.4(DSP):c.4813C>T (p.Leu1605=)

Gene: DSP (desmoplakin; plus strand). Cytogenetic location: 6p24.3.
Variant type: single nucleotide variant.
Coding change: c.4813C>T on transcript NM_004415.4 (MANE Select); coding-DNA position 4813, C replaced by T.
Protein change: p.Leu1605=; no amino-acid change (leucine 1605 retained).
Molecular consequence: synonymous variant. On other transcripts: intron variant (2).
Genome position (GRCh38, 1-based): chr6:7,581,003, C>T. VCF-style: chr6-7581003-C-T. GRCh37 (hg19) VCF-style: chr6-7581236-C-T.
Other names: c.4050+763C>T (NM_001319034.2); c.3582+1231C>T (NM_001008844.3).
Identifiers: ClinVar variation 2932721 (VCV002932721.4), dbSNP rs1759418605, ClinGen allele CA448714812.
Genomic context (GRCh38, chr6:7,581,003, plus strand): 5'-TCAGAAGACTCCTGCAAGAGGAAGAAGCTGGAGGAAGAGCTGGAAGGCATGAGGAGGTCG[C>T]TGAAGGAGCAAGCCATCAAAATCACCAACCTGACCCAGCAGCTGGAGCAGGCATCCATTG-3'
Protein context (NP_004406.2, residues 1595-1615): EEELEGMRRS[Leu1605=]KEQAIKITNL

ClinVar aggregate classification (germline): Likely benign. Review status: criteria provided, multiple submitters, no conflicts (2 of 4 stars). 2 submissions from 2 submitters: Likely benign (2). Last evaluated 2023-06-22.

Conditions:
Arrhythmogenic cardiomyopathy with wooly hair and keratoderma. Also called: PALMOPLANTAR KERATODERMA WITH LEFT VENTRICULAR CARDIOMYOPATHY AND WOOLLY HAIR; Carvajal syndrome; Arrhythmogenic cardiomyopathy with woolly hair and keratoderma; Dilated cardiomyopathy with woolly hair and keratoderma. Identifiers: Orphanet 65282, MedGen C1854063, MONDO:0011581, OMIM 605676.
Arrhythmogenic right ventricular dysplasia 8 (ARVD8). Also called: Arrhythmogenic Right Ventricular Dysplasia/Cardiomyopathy 8; ARRHYTHMOGENIC RIGHT VENTRICULAR DYSPLASIA, FAMILIAL, 8; ARRHYTHMOGENIC RIGHT VENTRICULAR CARDIOMYOPATHY 8. Identifiers: MedGen C1843896, MONDO:0011831, OMIM 607450.

Submissions (2):

Labcorp Genetics (formerly Invitae), Labcorp
Classification: Likely benign for Arrhythmogenic cardiomyopathy with wooly hair and keratoderma; Arrhythmogenic right ventricular dysplasia 8. Last evaluated: 2023-06-22. Review status: criteria provided, single submitter. Criteria: Invitae Variant Classification Sherloc (09022015). Collection method: clinical testing. Allele origin: germline.

All of Us Research Program, National Institutes of Health
Classification: Likely benign for Arrhythmogenic cardiomyopathy with wooly hair and keratoderma. Last evaluated: 2023-05-16. Review status: criteria provided, single submitter. Criteria: ACMG Guidelines, 2015. Collection method: clinical testing. Allele origin: germline. Inheritance: Autosomal dominant inheritance. Observed: 1 variant allele, 1 heterozygote.
Comment: This study involves interpretation of variants in research participants for the purpose of population health screening. Participant phenotype was not available at the time of variant classification. Additional details can be found in publication PMID: 35346344, PMCID: PMC8962531